The following is an entry in ClinVar:

NM_003200.5(TCF3):c.767T>C (p.Val256Ala)

Gene: TCF3 (transcription factor 3; minus strand). Cytogenetic location: 19p13.3.
Variant type: single nucleotide variant.
Coding change: c.767T>C on transcript NM_003200.5 (MANE Select); coding-DNA position 767, T replaced by C.
Protein change: p.Val256Ala; replaces valine 256 with alanine.
Molecular consequence: missense variant.
Genome position (GRCh38, 1-based): chr19:1,622,109, A>G on the plus strand (T>C on the coding strand, the complement: TCF3 is on the minus strand). VCF-style: chr19-1622109-A-G. GRCh37 (hg19) VCF-style: chr19-1622108-A-G.
Other names: c.767T>C, p.Val256Ala (NM_001136139.4, NM_001351778.2, NM_001351779.2); short protein forms V256A.
Identifiers: ClinVar variation 2457561 (VCV002457561.5), dbSNP rs749708169, ClinGen allele CA9050237.
Genomic context (GRCh38, chr19:1,622,109, plus strand): 5'-CCTACCATACGCTCGTGCTGGTGCAGGCCACCAAACGTGCTGCTGCTTCCACTGCTGCCC[A>G]CCGGGCCGCTACCGGGCGGGAGGGGCAGCGGGGATGAGCCCCCACCCAGCATGGGCCCGA-3'
Protein context (NP_003191.1, residues 246-266): PLPLPPGSGP[Val256Ala]GSSGSSSTFG

ClinVar aggregate classification (germline): Uncertain significance. Review status: criteria provided, multiple submitters, no conflicts (2 of 4 stars). 3 submissions from 3 submitters: Uncertain significance (3). Last evaluated 2026-01-08.

Conditions:
Inborn genetic diseases. Identifiers: MedGen C0950123, MeSH D030342.

Allele frequency attached by ClinVar (database versions not stated): gnomAD exomes below 0.00001; ExAC 0.00001; gnomAD 0.00004; TOPMed 0.00006.
gnomAD v4.1: 13 of 1,602,052 alleles (0.00081%); highest among the groups gnomAD compares: African/African-American, 0.015%; no homozygotes.

Submissions (3):

Labcorp Genetics (formerly Invitae), Labcorp
Classification: Uncertain significance. Last evaluated: 2026-01-08. Review status: criteria provided, single submitter. Criteria: Invitae Variant Classification Sherloc (09022015). Collection method: clinical testing. Allele origin: germline.
Comment: This sequence change replaces valine, which is neutral and non-polar, with alanine, which is neutral and non-polar, at codon 256 of the TCF3 protein (p.Val256Ala). This variant is present in population databases (rs749708169, gnomAD 0.02%). This variant has not been reported in the literature in individuals affected with TCF3-related conditions. ClinVar contains an entry for this variant (Variation ID: 2457561). An algorithm developed to predict the effect of missense changes on protein structure and function outputs the following: PolyPhen-2: "Not Available". The alanine amino acid residue is found in multiple mammalian species, which suggests that this missense change does not adversely affect protein function. In summary, the available evidence is currently insufficient to determine the role of this variant in disease. Therefore, it has been classified as a Variant of Uncertain Significance.

Ambry Genetics
Classification: Uncertain significance for Inborn genetic diseases. Last evaluated: 2023-01-18. Review status: criteria provided, single submitter. Criteria: Ambry Variant Classification Scheme 2023. Collection method: clinical testing. Allele origin: germline.

Blueprint Genetics
Classification: Uncertain significance. Last evaluated: 2020-10-15. Review status: criteria provided, single submitter. Criteria: ACMG Guidelines, 2015. Collection method: clinical testing. Allele origin: germline.